The following is an entry in ClinVar:

ClinVar aggregate classification (germline): Likely pathogenic (1 of 4 stars; one submission).

Conditions:
Intellectual disability. Also called: intellectual disabilities; Intellectual developmental disorder; Intellectual functioning disability. Identifiers: MedGen C3714756, MeSH D008607, MONDO:0001071, HP:0001249.

Submission:

Institute of Human Genetics, University of Leipzig Medical Center
Classification: Likely pathogenic for Intellectual disability. Last evaluated: 2020-08-03. Review status: criteria provided, single submitter. Criteria: ACMG Guidelines, 2015. Collection method: clinical testing. Allele origin: unknown. Affected: yes.
Comment: Inheritance for this variant was unknown.

NM_022552.5(DNMT3A):c.705del (p.Glu235fs)

Gene: DNMT3A (DNA methyltransferase 3 alpha; minus strand). Cytogenetic location: 2p23.3.
Variant type: Deletion.
Coding change: c.705del on transcript NM_022552.5 (MANE Select); coding-DNA position 705, one base deleted (G; older notation c.705delG).
Protein change: p.Glu235fs; shifts the reading frame from glutamic acid 235.
Molecular consequence: frameshift variant. On other transcripts: non-coding transcript variant (1).
Genome position (GRCh38, 1-based): chr2:25,248,187, C deleted on the plus strand (G on the coding strand, the reverse complement: DNMT3A is on the minus strand). VCF-style (leftmost placement, unchanged base first): chr2-25248186-AC-A. GRCh37 (hg19) VCF-style: chr2-25471055-AC-A.
Other names: c.249del, p.Glu83fs (NM_001320893.1); c.36del, p.Glu12fs (NM_001375819.1); c.138del, p.Glu46fs (NM_153759.3); c.705del, p.Glu235fs (NM_175629.2); short protein forms E12fs, E235fs, E46fs, E83fs.
Identifiers: ClinVar variation 977611 (VCV000977611.1), dbSNP rs1675087282, ClinGen allele CA1139655570.
Genomic context (GRCh38, chr2:25,248,186, plus strand): 5'-GGGATGCGGGGTCAGTGGGCTGCTGCACAGCAGGAGGGCTGGCCTCCTCCACCTTCTGAG[AC>A]TCCCCGGGCCCCTGGTTTTCTTCCACAGCATTCATTCCTGCAATGACCTTGGCTTTCTTC-3'